The following is an entry in ClinVar:

NM_000302.4(PLOD1):c.303-2A>G

Gene: PLOD1 (procollagen-lysine,2-oxoglutarate 5-dioxygenase 1; plus strand). Cytogenetic location: 1p36.22.
Variant type: single nucleotide variant.
Coding change: c.303-2A>G on transcript NM_000302.4 (MANE Select); the canonical splice acceptor site of the intron before coding-DNA position 303, A replaced by G.
Molecular consequence: splice acceptor variant.
Genome position (GRCh38, 1-based): chr1:11,950,355, A>G. VCF-style: chr1-11950355-A-G. GRCh37 (hg19) VCF-style: chr1-12010412-A-G.
Other names: c.444-2A>G (NM_001316320.2).
Identifiers: ClinVar variation 4754109 (VCV004754109.1).

ClinVar aggregate classification (germline): Likely pathogenic (1 of 4 stars; one submission).

Conditions:
Ehlers-Danlos syndrome, kyphoscoliotic type 1 (EDSKSCL1). Also called: Ehlers-Danlos syndrome, hydroxylysine-deficient; EHLERS-DANLOS SYNDROME, OCULAR-SCOLIOTIC TYPE; EHLERS-DANLOS SYNDROME, TYPE VIA; PLOD1-Related Kyphoscoliotic Ehlers-Danlos Syndrome. Identifiers: Orphanet 1900, MedGen C0268342, MONDO:0016002, OMIM 225400. Disease mechanism: loss of function.

Submission:

Labcorp Genetics (formerly Invitae), Labcorp
Classification: Likely pathogenic for Ehlers-Danlos syndrome, kyphoscoliotic type 1. Last evaluated: 2025-12-06. Review status: criteria provided, single submitter. Criteria: Invitae Variant Classification Sherloc (09022015). Collection method: clinical testing. Allele origin: germline.
Comment: This sequence change affects an acceptor splice site in intron 3 of the PLOD1 gene. It is expected to disrupt RNA splicing. Variants that disrupt the donor or acceptor splice site typically lead to a loss of protein function (PMID: 16199547), and loss-of-function variants in PLOD1 are known to be pathogenic (PMID: 10874315, 21699693). This variant is not present in population databases (gnomAD no frequency). This variant has not been reported in the literature in individuals affected with PLOD1-related conditions. Algorithms developed to predict the effect of sequence changes on RNA splicing suggest that this variant may disrupt the consensus splice site. In summary, the currently available evidence indicates that the variant is pathogenic, but additional data are needed to prove that conclusively. Therefore, this variant has been classified as Likely Pathogenic.

Literature cited by the submitters: PubMed 16199547; PubMed 10874315; PubMed 21699693.